The following is an entry in ClinVar:

NM_000051.4(ATM):c.3284+1G>C

Gene: ATM (ATM serine/threonine kinase; plus strand). Cytogenetic location: 11q22.3.
Variant type: single nucleotide variant.
Coding change: c.3284+1G>C on transcript NM_000051.4 (MANE Select); the canonical splice donor site of the intron after coding-DNA position 3284, G replaced by C.
Molecular consequence: splice donor variant.
Genome position (GRCh38, 1-based): chr11:108,272,853, G>C. VCF-style: chr11-108272853-G-C. GRCh37 (hg19) VCF-style: chr11-108143580-G-C.
Other names: c.3284+1G>C (NM_001351834.2).
Identifiers: ClinVar variation 407539 (VCV000407539.12), dbSNP rs864622129, ClinGen allele CA16613402.
Genomic context (GRCh38, chr11:108,272,853, plus strand): 5'-ACAATTTCTTGCTGACAATCATCACCAAGTTCGCATGTTGGCTGCAGAGTCAATCAATAG[G>C]TAATGGGTCAAATATTCATGAAGTATTTGGAATGCTGCAGATGGCAGTAGAATGTCTTAC-3'

ClinVar aggregate classification (germline): Likely pathogenic. Review status: criteria provided, multiple submitters, no conflicts (2 of 4 stars). 3 submissions from 3 submitters: Likely pathogenic (3). Last evaluated 2024-12-10.

Conditions:
Familial cancer of breast. Also called: Hereditary breast cancer; hereditary breast carcinoma; BREAST CANCER, FAMILIAL. Identifiers: Orphanet 227535, MedGen C0346153, MONDO:0016419, OMIM 114480. Disease mechanism: loss of function.
Ataxia-telangiectasia syndrome (AT). Also called: Ataxia telangiectasia (A-T); LOUIS-BAR SYNDROME; Cerebello-oculocutaneous telangiectasia; Immunodeficiency with ataxia telangiectasia; Ataxia-telangiectasia, complementation group D; AT, COMPLEMENTATION GROUP C. Identifiers: Orphanet 100, MedGen C0004135, MONDO:0008840, OMIM 208900.
Hereditary cancer-predisposing syndrome. Also called: Hereditary neoplastic syndrome; Neoplastic Syndromes, Hereditary; Tumor predisposition; Hereditary Cancer Syndrome. Identifiers: Orphanet 140162, MedGen C0027672, MeSH D009386, MONDO:0015356.

Submissions (3):

Ambry Genetics
Classification: Likely pathogenic for Hereditary cancer-predisposing syndrome. Last evaluated: 2024-12-10. Review status: criteria provided, single submitter. Criteria: Ambry Variant Classification Scheme 2023. Collection method: clinical testing. Allele origin: germline.
Comment: The c.3284+1G>C intronic variant results from a G to C substitution one nucleotide after coding exon 21 of the ATM gene. This nucleotide position is highly conserved in available vertebrate species. In silico splice site analysis predicts that this alteration will weaken the native splice donor site. RNA studies have demonstrated that this alteration results in abnormal splicing in the set of samples tested (Ambry internal data). This variant is considered to be rare based on population cohorts in the Genome Aggregation Database (gnomAD). Alterations that disrupt the canonical splice site are expected to cause aberrant splicing, resulting in an abnormal protein or a transcript that is subject to nonsense-mediated mRNA decay. As such, this alteration is classified as likely pathogenic.

Labcorp Genetics (formerly Invitae), Labcorp
Classification: Likely pathogenic for Ataxia-telangiectasia syndrome. Last evaluated: 2024-04-15. Review status: criteria provided, single submitter. Criteria: Invitae Variant Classification Sherloc (09022015). Collection method: clinical testing. Allele origin: germline.
Comment: This sequence change affects a donor splice site in intron 22 of the ATM gene. RNA analysis indicates that disruption of this splice site induces altered splicing and may result in an absent or disrupted protein product. This variant is not present in population databases (gnomAD no frequency). Disruption of this splice site has been observed in individual(s) with ataxia-telangiectasia, colorectal cancer, and/or melanoma (PMID: 21665257, 32658311, 34262154). ClinVar contains an entry for this variant (Variation ID: 407539). Studies have shown that disruption of this splice site results in skipping of exon 22 and introduces a premature termination codon (Invitae). The resulting mRNA is expected to undergo nonsense-mediated decay. In summary, the currently available evidence indicates that the variant is pathogenic, but additional data are needed to prove that conclusively. Therefore, this variant has been classified as Likely Pathogenic.

Myriad Genetics, Inc.
Classification: Likely pathogenic for Familial cancer of breast. Last evaluated: 2024-01-19. Review status: criteria provided, single submitter. Criteria: Myriad Autosomal Dominant, Autosomal Recessive and X-Linked Classification Criteria (2023). Collection method: clinical testing. Allele origin: unknown.
Comment: This variant is considered likely pathogenic. This variant occurs within a consensus splice junction and is predicted to result in abnormal mRNA splicing of either an out-of-frame exon or an in-frame exon necessary for protein stability and/or normal function.

Literature cited by the submitters: PubMed 21665257 (cited by Labcorp Genetics (formerly Invitae), Labcorp); PubMed 32658311 (cited by Labcorp Genetics (formerly Invitae), Labcorp); PubMed 34262154 (cited by Labcorp Genetics (formerly Invitae), Labcorp).